The following is an entry in ClinVar:

ClinVar aggregate classification (germline): Benign. Review status: criteria provided, multiple submitters, no conflicts (2 of 4 stars). 15 submissions from 12 submitters: Benign (13). 2 of the submissions do not count toward it. Last evaluated 2026-02-04.

Conditions:
Malignant hyperthermia, susceptibility to, 5 (MHS5). Also called: CACNA1S-Related Malignant Hyperthermia Susceptibility. Identifiers: Orphanet 423, MedGen C1866077, MONDO:0011163, OMIM 601887.
Hypokalemic periodic paralysis, type 1. Also called: HypoPP; Hypokalemic Periodic Paralysis Type 1 (AD). Identifiers: Orphanet 681, MedGen C3714580, MONDO:0042979, OMIM 170400.
Congenital myopathy 18. Also called: DIHYDROPYRIDINE RECEPTOR CONGENITAL MYOPATHY; DHPR CONGENITAL MYOPATHY; Myopathy, congenital, due to dihydropyridine receptor defect. Identifiers: MedGen C5830283, MONDO:0859514, OMIM 620246.
Thyrotoxic periodic paralysis, susceptibility to, 1 (TTPP1). Identifiers: Orphanet 79102, MedGen C2749982, MONDO:0008570, OMIM 188580.

Allele frequency attached by ClinVar (database versions not stated): 1000 Genomes Project 30x 0.02233; 1000 Genomes Project 0.02256; TOPMed 0.03242; gnomAD 0.03481 and 0.03508; ExAC 0.03716; ESP Exome Variant Server 0.03921.
gnomAD v4.1: 74,939 of 1,614,088 alleles (4.6%); highest among the groups gnomAD compares: Non-Finnish European, 5.3%; 2,004 homozygotes.

Submissions (15):

Labcorp Genetics (formerly Invitae), Labcorp
Classification: Benign for Hypokalemic periodic paralysis, type 1; Malignant hyperthermia, susceptibility to, 5. Last evaluated: 2026-02-04. Review status: criteria provided, single submitter. Criteria: Invitae Variant Classification Sherloc (09022015). Collection method: clinical testing. Allele origin: germline.

ARUP Laboratories, Molecular Genetics and Genomics, ARUP Laboratories
Classification: Benign. Last evaluated: 2025-07-14. Review status: criteria provided, single submitter. Criteria: ARUP Molecular Germline Variant Investigation Process 2024. Collection method: clinical testing. Allele origin: germline.

All of Us Research Program, National Institutes of Health
Classification: Benign for Malignant hyperthermia, susceptibility to, 5. Last evaluated: 2024-02-05. Review status: criteria provided, single submitter. Criteria: ACMG Guidelines, 2015. Collection method: clinical testing. Allele origin: germline. Inheritance: Autosomal dominant inheritance. Observed: 8,661 variant alleles, 8,454 heterozygotes, 207 homozygotes.
Comment: This study involves interpretation of variants in research participants for the purpose of population health screening. Participant phenotype was not available at the time of variant classification. Additional details can be found in publication PMID: 35346344, PMCID: PMC8962531

Genome-Nilou Lab
Classification: Benign for Malignant hyperthermia, susceptibility to, 5. Last evaluated: 2023-04-11. Review status: criteria provided, single submitter. Criteria: ACMG Guidelines, 2015. Collection method: clinical testing. Allele origin: germline. Affected: no.

Genome-Nilou Lab
Classification: Benign for Thyrotoxic periodic paralysis, susceptibility to, 1. Last evaluated: 2023-04-11. Review status: criteria provided, single submitter. Criteria: ACMG Guidelines, 2015. Collection method: clinical testing. Allele origin: germline. Affected: no.

Genome-Nilou Lab
Classification: Benign for Congenital myopathy 18. Last evaluated: 2023-04-11. Review status: criteria provided, single submitter. Criteria: ACMG Guidelines, 2015. Collection method: clinical testing. Allele origin: germline. Affected: no.

Genome-Nilou Lab
Classification: Benign for Hypokalemic periodic paralysis, type 1. Last evaluated: 2023-04-11. Review status: criteria provided, single submitter. Criteria: ACMG Guidelines, 2015. Collection method: clinical testing. Allele origin: germline. Affected: no.

Mayo Clinic Laboratories, Mayo Clinic
Classification: Benign. Last evaluated: 2022-10-05. Review status: criteria provided, single submitter. Criteria: ACMG Guidelines, 2015. Collection method: clinical testing. Allele origin: germline. Observed: 50 variant alleles.
Comment: BA1

Color Diagnostics, LLC DBA Color Health
Classification: Benign for Malignant hyperthermia, susceptibility to, 5. Last evaluated: 2018-03-05. Review status: criteria provided, single submitter. Criteria: ACMG Guidelines, 2015. Collection method: clinical testing. Allele origin: germline.

Illumina Laboratory Services, Illumina
Classification: Benign for Hypokalemic periodic paralysis, type 1. Last evaluated: 2018-01-12. Review status: criteria provided, single submitter. Criteria: ICSL Variant Classification Criteria 13 December 2019. Collection method: clinical testing. Allele origin: germline.
Comment: This variant was observed in the ICSL laboratory as part of a predisposition screen in an ostensibly healthy population. It had not been previously curated by ICSL or reported in the Human Gene Mutation Database (HGMD: prior to June 1st, 2018), and was therefore a candidate for classification through an automated scoring system. Utilizing variant allele frequency, disease prevalence and penetrance estimates, and inheritance mode, an automated score was calculated to assess if this variant is too frequent to cause the disease. Based on the score and internal cut-off values, a variant classified as benign is not then subjected to further curation. The score for this variant resulted in a classification of benign for this disease.

GeneDx
Classification: Benign. Last evaluated: 2016-02-23. Review status: criteria provided, single submitter. Criteria: GeneDx Variant Classification (06012015). Collection method: clinical testing. Allele origin: germline. Affected: yes.
Comment: This variant is considered likely benign or benign based on one or more of the following criteria: it is a conservative change, it occurs at a poorly conserved position in the protein, it is predicted to be benign by multiple in silico algorithms, and/or has population frequency not consistent with disease.

Breakthrough Genomics
Classification: Benign. Review status: criteria provided, single submitter. Criteria: ACMG Guidelines, 2015. Collection method: not provided. Allele origin: germline. Inheritance: Autosomal dominant inheritance. Affected: yes.

PreventionGenetics, part of Exact Sciences
Classification: Benign. Review status: criteria provided, single submitter. Criteria: ACMG Guidelines, 2015. Collection method: clinical testing. Allele origin: germline.

Joint Genome Diagnostic Labs from Nijmegen and Maastricht, Radboudumc and MUMC+
Classification: Benign. Review status: no assertion criteria provided. Collection method: clinical testing. Allele origin: germline. Affected: yes. Study: VKGL Data-share Consensus. Not counted in ClinVar's aggregate classification.

Laboratory of Diagnostic Genome Analysis, Leiden University Medical Center (LUMC)
Classification: Likely benign. Review status: no assertion criteria provided. Collection method: clinical testing. Allele origin: germline. Affected: yes. Study: VKGL Data-share Consensus. Not counted in ClinVar's aggregate classification.

NM_000069.3(CACNA1S):c.206C>G (p.Ala69Gly)

Gene: CACNA1S (calcium voltage-gated channel subunit alpha1 S; minus strand). Cytogenetic location: 1q32.1.
Variant type: single nucleotide variant.
Coding change: c.206C>G on transcript NM_000069.3 (MANE Select); coding-DNA position 206, C replaced by G.
Protein change: p.Ala69Gly; replaces alanine 69 with glycine.
Molecular consequence: missense variant.
Genome position (GRCh38, 1-based): chr1:201,110,216, G>C on the plus strand (C>G on the coding strand, the complement: CACNA1S is on the minus strand). VCF-style: chr1-201110216-G-C. GRCh37 (hg19) VCF-style: chr1-201079344-G-C.
Other names: short protein forms A69G.
Identifiers: ClinVar variation 254811 (VCV000254811.35), dbSNP rs12406479, ClinGen allele CA078793.